The following is an entry in ClinVar:

NM_030630.3(HID1):c.260C>T (p.Ser87Leu)

Gene: HID1 (HID1 domain containing; minus strand). Cytogenetic location: 17q25.1.
Variant type: single nucleotide variant.
Coding change: c.260C>T on transcript NM_030630.3 (MANE Select); coding-DNA position 260, C replaced by T.
Protein change: p.Ser87Leu; replaces serine 87 with leucine.
Molecular consequence: missense variant.
Genome position (GRCh38, 1-based): chr17:74,963,867, G>A on the plus strand (C>T on the coding strand, the complement: HID1 is on the minus strand). VCF-style: chr17-74963867-G-A. GRCh37 (hg19) VCF-style: chr17-72959962-G-A.
Other names: short protein forms S87L.
Identifiers: ClinVar variation 2598408 (VCV002598408.4), dbSNP rs759908194, ClinGen allele CA8756056.

ClinVar aggregate classification (germline): Uncertain significance. Review status: criteria provided, multiple submitters, no conflicts (2 of 4 stars). 2 submissions from 2 submitters: Uncertain significance (2). Last evaluated 2026-05-01.

Allele frequency attached by ClinVar (database versions not stated): gnomAD exomes 0.00001; ExAC 0.00002; gnomAD 0.00003; TOPMed 0.00004.
gnomAD v4.1: 21 of 1,613,436 alleles (0.0013%); highest among the groups gnomAD compares: South Asian, 0.0033%; no homozygotes.

Submissions (2):

CeGaT Center for Human Genetics Tuebingen
Classification: Uncertain significance. Last evaluated: 2026-05-01. Review status: criteria provided, single submitter. Criteria: CeGaT Center For Human Genetics Tuebingen Variant Classification Criteria Version 2. Collection method: clinical testing. Allele origin: germline. Affected: yes. Observed: 1 variant allele.
Comment: HID1: PM2, BP4

Ambry Genetics
Classification: Uncertain significance. Last evaluated: 2023-09-13. Review status: criteria provided, single submitter. Criteria: Ambry Variant Classification Scheme 2023. Collection method: clinical testing. Allele origin: germline.